The following is an entry in ClinVar:

ClinVar aggregate classification (germline): Pathogenic (1 of 4 stars; one submission).

Conditions:
Waardenburg syndrome type 4C (WS4C). Also called: WAARDENBURG SYNDROME WITH HIRSCHSPRUNG DISEASE, TYPE 4C. Identifiers: Orphanet 897, MedGen C2750452, MONDO:0013202, OMIM 613266.
Waardenburg syndrome type 2E (WS2E). Also called: WAARDENBURG SYNDROME, TYPE 2E, WITH OR WITHOUT NEUROLOGIC INVOLVEMENT; WS2E, WITH OR WITHOUT NEUROLOGIC INVOLVEMENT; HYPOGONADOTROPIC HYPOGONADISM WITH ANOSMIA AND DEAFNESS, WITH OR WITHOUT HYPOPIGMENTATION. Identifiers: Orphanet 3440, MedGen C2700405, MONDO:0012698, OMIM 611584.

Submission:

Institute of Rare Diseases, West China Hospital, Sichuan University
Classification: Pathogenic for Waardenburg syndrome type 4C. Last evaluated: 2025-01-09. Review status: criteria provided, single submitter. Criteria: ClinGen HL ACMG Specifications v1. Collection method: research. Allele origin: germline. Affected: yes.
Comment: PM1;PS2;PM5;PM2_Supporting;PP3

NM_006941.4(SOX10):c.506C>G (p.Pro169Arg)

Genes: POLR2F (RNA polymerase II, I and III subunit F; plus strand), SOX10 (SRY-box transcription factor 10; minus strand). Cytogenetic location: 22q13.1.
Variant type: single nucleotide variant.
Coding change: c.506C>G on transcript NM_006941.4 (MANE Select); coding-DNA position 506, C replaced by G.
Protein change: p.Pro169Arg; replaces proline 169 with arginine.
Molecular consequence: missense variant. On other transcripts: intron variant (3).
Genome position (GRCh38, 1-based): chr22:37,978,058, G>C on the plus strand (C>G on the coding strand, the complement: SOX10 is on the minus strand). VCF-style: chr22-37978058-G-C. GRCh37 (hg19) VCF-style: chr22-38374065-G-C.
Other names: c.*38+5748G>C (NM_001363825.1); c.294-8096G>C (NM_001301130.2); c.293+10888G>C (NM_001301131.2); short protein forms P169R.
Identifiers: ClinVar variation 3601842 (VCV003601842.2).
Genomic context (GRCh38, chr22:37,978,058, plus strand): 5'-TCCGCCTCGCCCTGGGCGGCCTTCCCGTTCTTCCGCCGCCTGGGCTGGTACTTGTAGTCC[G>C]GGTGGTCTTTCTTGTGCTGCATACGGAGCCGCTCAGCCTCCTCGATGAAGGGGCGCTTGT-3'
Protein context (NP_008872.1, residues 159-179): RLRMQHKKDH[Pro169Arg]DYKYQPRRRK